The following is an entry in ClinVar:

NM_007294.4(BRCA1):c.2893C>G (p.Leu965Val)

Gene: BRCA1 (BRCA1 DNA repair associated; minus strand). Cytogenetic location: 17q21.31.
Variant type: single nucleotide variant.
Coding change: c.2893C>G on transcript NM_007294.4 (MANE Select); coding-DNA position 2893, C replaced by G.
Protein change: p.Leu965Val; replaces leucine 965 with valine.
Molecular consequence: missense variant. On other transcripts: intron variant (137).
Genome position (GRCh38, 1-based): chr17:43,092,638, G>C on the plus strand (C>G on the coding strand, the complement: BRCA1 is on the minus strand). VCF-style: chr17-43092638-G-C. GRCh37 (hg19) VCF-style: chr17-41244655-G-C.
Other names: c.2680C>G, p.Leu894Val (NM_001407571.1, NM_001407853.1, NM_001407894.1 and 9 more transcripts); c.2893C>G, p.Leu965Val (NM_001407581.1, NM_001407582.1, NM_001407583.1 and 30 more transcripts); c.2890C>G, p.Leu964Val (NM_001407587.1, NM_001407590.1, NM_001407610.1 and 22 more transcripts); c.2884C>G, p.Leu962Val (NM_001407646.1, NM_001407647.1); c.2770C>G, p.Leu924Val (NM_001407648.1, NM_001407664.1, NM_001407665.1 and 19 more transcripts); c.2767C>G, p.Leu923Val (NM_001407649.1, NM_001407670.1, NM_001407671.1 and 11 more transcripts); c.2815C>G, p.Leu939Val (NM_001407653.1, NM_001407663.1, NM_001407654.1 and 4 more transcripts); c.2752C>G, p.Leu918Val (NM_001407727.1, NM_001407728.1, NM_001407729.1 and 29 more transcripts); and 41 more; short protein forms L965V, L918V, L854V, L894V, L964V, L837V, L877V, L938V.
Identifiers: ClinVar variation 409335 (VCV000409335.16), dbSNP rs1060502344, ClinGen allele CA10596205.

ClinVar aggregate classification (germline): Conflicting classifications of pathogenicity. Review status: criteria provided, conflicting classifications (1 of 4 stars). 5 submissions from 5 submitters: Uncertain significance (4); Likely benign (1). Last evaluated 2024-02-14.

Conditions:
Pancreatic cancer, susceptibility to, 4. Identifiers: Orphanet 1333, MedGen C3280442, MONDO:0013685, OMIM 614320.
Fanconi anemia, complementation group S (FANCS). Identifiers: MedGen C4554406, MONDO:0054748, OMIM 617883.
Breast-ovarian cancer, familial, susceptibility to, 1 (BROVCA1). Also called: BRCA1 Hereditary Breast and Ovarian Cancer; OVARIAN CANCER, SUSCEPTIBILITY TO. Identifiers: Orphanet 145, MedGen C2676676, MONDO:0011450, OMIM 604370. Disease mechanism: loss of function.
Hereditary cancer-predisposing syndrome. Also called: Neoplastic Syndromes, Hereditary; Hereditary neoplastic syndrome; Hereditary Cancer Syndrome; Tumor predisposition. Identifiers: Orphanet 140162, MedGen C0027672, MeSH D009386, MONDO:0015356.
Hereditary breast ovarian cancer syndrome. Also called: Hereditary breast and ovarian cancer syndrome; Breast and ovarian cancer; Hereditary breast and ovarian cancer syndrome (HBOC); Hereditary breast and/or ovarian cancer syndrome; BRCA1- and BRCA2-Associated Hereditary Breast and Ovarian Cancer; Hereditary breast and ovarian cancer. Identifiers: Orphanet 145, MedGen C0677776, MeSH D061325, MONDO:0003582. Disease mechanism: loss of function.

Submissions (5):

Fulgent Genetics
Classification: Uncertain significance for Breast-ovarian cancer, familial, susceptibility to, 1; Pancreatic cancer, susceptibility to, 4; Fanconi anemia, complementation group S. Last evaluated: 2024-02-14. Review status: criteria provided, single submitter. Criteria: ACMG Guidelines, 2015. Collection method: clinical testing. Allele origin: germline.

University of Washington Department of Laboratory Medicine, University of Washington
Classification: Likely benign for Hereditary cancer-predisposing syndrome. Last evaluated: 2023-03-23. Review status: criteria provided, single submitter. Criteria: Dines et al. (Genet Med. 2020). Collection method: curation. Allele origin: germline.
Comment: Missense variant in a coldspot region where missense variants are very unlikely to be pathogenic (PMID:31911673).

BRCA1 coldspot (exon 11 using historical exon numbering). Reclassification based on statistical prior probability

Labcorp Genetics (formerly Invitae), Labcorp
Classification: Uncertain significance for Hereditary breast ovarian cancer syndrome. Last evaluated: 2021-11-10. Review status: criteria provided, single submitter. Criteria: Invitae Variant Classification Sherloc (09022015). Collection method: clinical testing. Allele origin: germline.
Comment: In summary, the available evidence is currently insufficient to determine the role of this variant in disease. Therefore, it has been classified as a Variant of Uncertain Significance. Advanced modeling of protein sequence and biophysical properties (such as structural, functional, and spatial information, amino acid conservation, physicochemical variation, residue mobility, and thermodynamic stability) performed at Invitae indicates that this missense variant is not expected to disrupt BRCA1 protein function. ClinVar contains an entry for this variant (Variation ID: 409335). This variant has not been reported in the literature in individuals affected with BRCA1-related conditions. This variant is not present in population databases (gnomAD no frequency). This sequence change replaces leucine, which is neutral and non-polar, with valine, which is neutral and non-polar, at codon 965 of the BRCA1 protein (p.Leu965Val).

Women's Health and Genetics/Laboratory Corporation of America, LabCorp
Classification: Uncertain significance. Last evaluated: 2020-01-27. Review status: criteria provided, single submitter. Criteria: LabCorp Variant Classification Summary - May 2015. Collection method: clinical testing. Allele origin: germline.
Comment: Variant summary: BRCA1 c.2893C>G (p.Leu965Val) results in a conservative amino acid change in the encoded protein sequence. Four of five in-silico tools predict a benign effect of the variant on protein function. The variant was absent in 251380 control chromosomes (gnomAD). The available data on variant occurrences in the general population are insufficient to allow any conclusion about variant significance. To our knowledge, no occurrence of c.2893C>G in individuals affected with Hereditary Breast and Ovarian Cancer and no experimental evidence demonstrating its impact on protein function have been reported. One ClinVar submitter (evaluation after 2014) cites the variant as uncertain significance. Based on the evidence outlined above, the variant was classified as uncertain significance.

Ambry Genetics
Classification: Uncertain significance for Hereditary cancer-predisposing syndrome. Last evaluated: 2018-05-04. Review status: criteria provided, single submitter. Criteria: Ambry Variant Classification Scheme 2023. Collection method: clinical testing. Allele origin: germline.
Comment: The p.L965V variant (also known as c.2893C>G), located in coding exon 9 of the BRCA1 gene, results from a C to G substitution at nucleotide position 2893. The leucine at codon 965 is replaced by valine, an amino acid with highly similar properties. This amino acid position is not well conserved in available vertebrate species. In addition, the in silico prediction for this alteration is inconclusive. Since supporting evidence is limited at this time, the clinical significance of this alteration remains unclear.